The following is an entry in ClinVar:

ClinVar aggregate classification (germline): Conflicting classifications of pathogenicity. Review status: criteria provided, conflicting classifications (1 of 4 stars). 2 submissions from 2 submitters: Uncertain significance (1); Likely benign (1). Last evaluated 2026-07-06.

Conditions:
Gastrointestinal stromal tumor. Also called: Gastrointestinal stromal tumor, somatic; Gastrointestinal stroma tumor. Identifiers: Orphanet 44890, MedGen C0238198, MeSH D046152, MONDO:0011719, OMIM 606764, HP:0100723.
Hereditary cancer-predisposing syndrome. Also called: Neoplastic Syndromes, Hereditary; Hereditary neoplastic syndrome; Hereditary Cancer Syndrome; Tumor predisposition. Identifiers: Orphanet 140162, MedGen C0027672, MeSH D009386, MONDO:0015356.

Allele frequency attached by ClinVar (database versions not stated): gnomAD exomes below 0.00001.
gnomAD v4.1: 1 of 1,613,890 alleles (0.000062%); highest among the groups gnomAD compares: Non-Finnish European, 0.000085%; no homozygotes.

Submissions (2):

Ambry Genetics
Classification: Uncertain significance for Hereditary cancer-predisposing syndrome. Last evaluated: 2026-07-06. Review status: criteria provided, single submitter. Criteria: Ambry Variant Classification Scheme 2023. Collection method: clinical testing. Allele origin: germline.
Comment: The c.1347-5T>C intronic variant results from a T to C substitution 5 nucleotides upstream from coding exon 9 in the KIT gene. This nucleotide position is not well conserved in available vertebrate species. In silico splice site analysis predicts that this alteration will not have any significant effect on splicing. Based on the available evidence, the clinical significance of this variant remains unclear.

Labcorp Genetics (formerly Invitae), Labcorp
Classification: Likely benign for Gastrointestinal stromal tumor. Last evaluated: 2024-09-03. Review status: criteria provided, single submitter. Criteria: Invitae Variant Classification Sherloc (09022015). Collection method: clinical testing. Allele origin: germline.

NM_000222.3(KIT):c.1347-5T>C

Gene: KIT (KIT proto-oncogene, receptor tyrosine kinase; plus strand). Cytogenetic location: 4q12.
Variant type: single nucleotide variant.
Coding change: c.1347-5T>C on transcript NM_000222.3 (MANE Select); 5 bases into the intron before coding-DNA position 1347, T replaced by C.
Molecular consequence: intron variant.
Genome position (GRCh38, 1-based): chr4:54,725,852, T>C. VCF-style: chr4-54725852-T-C. GRCh37 (hg19) VCF-style: chr4-55592018-T-C.
Other names: c.1350-5T>C (NM_001385284.1, NM_001385290.1, NM_001385288.1 and 1 more transcripts); c.1347-5T>C (NM_001385285.1, NM_001093772.2, NM_001385286.1).
Identifiers: ClinVar variation 458868 (VCV000458868.10), dbSNP rs1553891394, ClinGen allele CA658655853.